The following is an entry in ClinVar:

NM_176787.5(PIGN):c.1747C>T (p.Arg583Trp)

Gene: PIGN (phosphatidylinositol glycan anchor biosynthesis class N; minus strand). Cytogenetic location: 18q21.33.
Variant type: single nucleotide variant.
Coding change: c.1747C>T on transcript NM_176787.5 (MANE Select); coding-DNA position 1747, C replaced by T.
Protein change: p.Arg583Trp; replaces arginine 583 with tryptophan.
Molecular consequence: missense variant.
Genome position (GRCh38, 1-based): chr18:62,106,809, G>A on the plus strand (C>T on the coding strand, the complement: PIGN is on the minus strand). VCF-style: chr18-62106809-G-A. GRCh37 (hg19) VCF-style: chr18-59774042-G-A.
Other names: c.1747C>T, p.Arg583Trp (NM_012327.6); short protein forms R583W.
Identifiers: ClinVar variation 472214 (VCV000472214.8), dbSNP rs1374261069, ClinGen allele CA402604963.

ClinVar aggregate classification (germline): Uncertain significance (1 of 4 stars; one submission).

Conditions:
Multiple congenital anomalies-hypotonia-seizures syndrome 1 (MCAHS1). Also called: PIGN-CDG; Congenital disorder of glycosylation due to PIGN deficiency; GLYCOSYLPHOSPHATIDYLINOSITOL BIOSYNTHESIS DEFECT 3. Identifiers: Orphanet 280633, MedGen C3279775, MONDO:0013563, OMIM 614080.

Allele frequency attached by ClinVar (database versions not stated): gnomAD exomes 0.00001; TOPMed 0.00001.
gnomAD v4.1: 12 of 1,606,962 alleles (0.00075%); highest among the groups gnomAD compares: Non-Finnish European, 0.00068%; no homozygotes.

Submission:

Labcorp Genetics (formerly Invitae), Labcorp
Classification: Uncertain significance for Multiple congenital anomalies-hypotonia-seizures syndrome 1. Last evaluated: 2022-06-03. Review status: criteria provided, single submitter. Criteria: Invitae Variant Classification Sherloc (09022015). Collection method: clinical testing. Allele origin: germline.
Comment: This sequence change replaces arginine, which is basic and polar, with tryptophan, which is neutral and slightly polar, at codon 583 of the PIGN protein (p.Arg583Trp). This variant is not present in population databases (gnomAD no frequency). This variant has not been reported in the literature in individuals affected with PIGN-related conditions. ClinVar contains an entry for this variant (Variation ID: 472214). Algorithms developed to predict the effect of missense changes on protein structure and function are either unavailable or do not agree on the potential impact of this missense change (SIFT: "Deleterious"; PolyPhen-2: "Possibly Damaging"; Align-GVGD: "Class C0"). In summary, the available evidence is currently insufficient to determine the role of this variant in disease. Therefore, it has been classified as a Variant of Uncertain Significance.